The following is an entry in ClinVar:

NM_015160.3(PMPCA):c.810C>T (p.Tyr270=)

Genes: PMPCA (peptidase, mitochondrial processing subunit alpha; plus strand), LOC126860792 (CDK7 strongly-dependent group 2 enhancer GRCh37_chr9:139310410-139311609; plus strand). Cytogenetic location: 9q34.3.
Variant type: single nucleotide variant.
Coding change: c.810C>T on transcript NM_015160.3 (MANE Select); coding-DNA position 810, C replaced by T.
Protein change: p.Tyr270=; no amino-acid change (tyrosine 270 retained).
Molecular consequence: synonymous variant.
Genome position (GRCh38, 1-based): chr9:136,417,127, C>T. VCF-style: chr9-136417127-C-T. GRCh37 (hg19) VCF-style: chr9-139311579-C-T.
Other names: p.Tyr270=; c.417C>T, p.Tyr139= (NM_001282944.2); c.510C>T, p.Tyr170= (NM_001282946.2).
Identifiers: ClinVar variation 4683467 (VCV004683467.1).

ClinVar aggregate classification (germline): Likely benign (1 of 4 stars; one submission).

gnomAD v4.1: 4 of 1,613,486 alleles (0.00025%); highest among the groups gnomAD compares: South Asian, 0.0044%; no homozygotes.

Submission:

Mayo Clinic Laboratories, Mayo Clinic
Classification: Likely benign. Last evaluated: 2024-12-23. Review status: criteria provided, single submitter. Criteria: ACMG Guidelines, 2015. Collection method: clinical testing. Allele origin: germline. Observed: 1 variant allele.
Comment: BP4, BP7